The following is an entry in ClinVar:

NM_003924.4(PHOX2B):c.617C>G (p.Pro206Arg)

Gene: PHOX2B (paired like homeobox 2B; minus strand). Cytogenetic location: 4p13.
Variant type: single nucleotide variant.
Coding change: c.617C>G on transcript NM_003924.4 (MANE Select); coding-DNA position 617, C replaced by G.
Protein change: p.Pro206Arg; replaces proline 206 with arginine.
Molecular consequence: missense variant.
Genome position (GRCh38, 1-based): chr4:41,746,135, G>C on the plus strand (C>G on the coding strand, the complement: PHOX2B is on the minus strand). VCF-style: chr4-41746135-G-C. GRCh37 (hg19) VCF-style: chr4-41748152-G-C.
Other names: short protein forms P206R.
Identifiers: ClinVar variation 135034 (VCV000135034.19), dbSNP rs587778606, ClinGen allele CA161478.

ClinVar aggregate classification (germline): Conflicting classifications of pathogenicity. Review status: criteria provided, conflicting classifications (1 of 4 stars). 6 submissions from 6 submitters: Uncertain significance (4); Benign (1). 1 of the submissions does not count toward it. Last evaluated 2025-05-19.

Conditions:
Haddad syndrome (OHD). Also called: Ondine-Hirschsprung disease. Identifiers: Orphanet 99803, MedGen C1859049, MONDO:0020493.
Central hypoventilation syndrome, congenital, 1, with or without Hirschsprung disease (CCHS1). Also called: CENTRAL HYPOVENTILATION SYNDROME, CONGENITAL, 1; ONDINE CURSE, CONGENITAL; AUTONOMIC CONTROL, CONGENITAL FAILURE OF; Central hypoventilation syndrome, congenital, 1, with or without Hirschsprung; Congenital Central Hypoventilation Syndrome (CCHS). Identifiers: Orphanet 661, MedGen C5562075, MONDO:0800026, OMIM 209880.
Neuroblastoma, susceptibility to, 2. Identifiers: Orphanet 635, MedGen C2751682, MONDO:0700041, OMIM 613013.
Hereditary cancer-predisposing syndrome. Also called: Tumor predisposition; Hereditary neoplastic syndrome; Neoplastic Syndromes, Hereditary; Hereditary Cancer Syndrome. Identifiers: Orphanet 140162, MedGen C0027672, MeSH D009386, MONDO:0015356.

Allele frequency attached by ClinVar (database versions not stated): gnomAD below 0.00001 and 0.00003; TOPMed 0.00002; gnomAD exomes 0.00006; ExAC 0.00007.
gnomAD v4.1: 60 of 1,604,220 alleles (0.0037%); highest among the groups gnomAD compares: South Asian, 0.051%; no homozygotes.

Submissions (6):

Labcorp Genetics (formerly Invitae), Labcorp
Classification: Uncertain significance for Haddad syndrome. Last evaluated: 2025-05-19. Review status: criteria provided, single submitter. Criteria: Invitae Variant Classification Sherloc (09022015). Collection method: clinical testing. Allele origin: germline.
Comment: This sequence change replaces proline, which is neutral and non-polar, with arginine, which is basic and polar, at codon 206 of the PHOX2B protein (p.Pro206Arg). This variant is present in population databases (rs587778606, gnomAD 0.05%), and has an allele count higher than expected for a pathogenic variant. This variant has not been reported in the literature in individuals affected with PHOX2B-related conditions. ClinVar contains an entry for this variant (Variation ID: 135034). Invitae Evidence Modeling of protein sequence and biophysical properties (such as structural, functional, and spatial information, amino acid conservation, physicochemical variation, residue mobility, and thermodynamic stability) indicates that this missense variant is not expected to disrupt PHOX2B protein function with a negative predictive value of 80%. In summary, the available evidence is currently insufficient to determine the role of this variant in disease. Therefore, it has been classified as a Variant of Uncertain Significance.

Fulgent Genetics
Classification: Uncertain significance for Central hypoventilation syndrome, congenital, 1, with or without Hirschsprung disease; Neuroblastoma, susceptibility to, 2. Last evaluated: 2024-06-05. Review status: criteria provided, single submitter. Criteria: ACMG Guidelines, 2015. Collection method: clinical testing. Allele origin: germline.

Baylor Genetics
Classification: Uncertain significance for Neuroblastoma, susceptibility to, 2. Last evaluated: 2024-01-11. Review status: criteria provided, single submitter. Criteria: ACMG Guidelines, 2015. Collection method: clinical testing. Allele origin: unknown.

Ambry Genetics
Classification: Benign for Hereditary cancer-predisposing syndrome. Last evaluated: 2022-09-06. Review status: criteria provided, single submitter. Criteria: Ambry Variant Classification Scheme 2023. Collection method: clinical testing. Allele origin: germline.

ARUP Laboratories, Molecular Genetics and Genomics, ARUP Laboratories
Classification: Uncertain significance. Last evaluated: 2017-09-06. Review status: criteria provided, single submitter. Criteria: ARUP Molecular Germline Variant Investigation Process. Collection method: clinical testing. Allele origin: germline.
Comment: The p.Pro206Arg variant (rs587778606) has been reported in the medical literature in a single unaffected individual (Bodian 2014). The variant is listed in the Genome Aggregation Database (gnomAD) browser with an allele frequency of 0.046% in the South Asian population (identified in 14 out of 30,162 chromosomes; 0 homozygotes), and is listed in ClinVar (Variant ID: 135034) without a classification. The proline at codon 206 is moderately conserved considering 12 species (Alamut software v2.9.0), and computational analyses predict conflicting effects of this variant on protein structure/function (SIFT: tolerated, PolyPhen2: possibly damaging, MutationTaster: disease causing). Based on the available information, the clinical significance of the p.Pro206Arg variant cannot be determined with certainty.

ITMI
No classification provided. Condition: AllHighlyPenetrant. Last evaluated: 2013-09-19. Review status: no classification provided. Collection method: reference population. Allele origin: germline. Not counted in ClinVar's aggregate classification.
Comment: Please see associated publication for description of ethnicities

Literature cited by the submitters: PubMed 24728327 (cited by ITMI).